The following is an entry in ClinVar:

ClinVar aggregate classification (germline): Uncertain significance (1 of 4 stars; one submission).

Conditions:
Renal carnitine transport defect (CDSP). Also called: Carnitine transporter deficiency; Carnitine Deficiency, Systemic; Systemic primary carnitine deficiency; CARNITINE DEFICIENCY, SYSTEMIC, DUE TO DEFECT IN RENAL REABSORPTION OF CARNITINE; CARNITINE TRANSPORTER, PLASMA-MEMBRANE, DEFICIENCY OF; CARNITINE UPTAKE DEFECT. Identifiers: Orphanet 158, MedGen C0342788, MONDO:0008919, OMIM 212140.

Allele frequency attached by ClinVar (database versions not stated): gnomAD exomes below 0.00001; ESP Exome Variant Server 0.00008.
gnomAD v4.1: 4 of 1,614,160 alleles (0.00025%); highest among the groups gnomAD compares: Non-Finnish European, 0.00034%; no homozygotes.

Submission:

Labcorp Genetics (formerly Invitae), Labcorp
Classification: Uncertain significance for Renal carnitine transport defect. Last evaluated: 2018-10-31. Review status: criteria provided, single submitter. Criteria: Invitae Variant Classification Sherloc (09022015). Collection method: clinical testing. Allele origin: germline.
Comment: This sequence change replaces serine with phenylalanine at codon 310 of the SLC22A5 protein (p.Ser310Phe). The serine residue is moderately conserved and there is a large physicochemical difference between serine and phenylalanine. This variant is not present in population databases (ExAC no frequency). This variant has not been reported in the literature in individuals with SLC22A5-related disease. Algorithms developed to predict the effect of missense changes on protein structure and function are either unavailable or do not agree on the potential impact of this missense change (SIFT: "Deleterious"; PolyPhen-2: "Benign"; Align-GVGD: "Class C0"). In summary, the available evidence is currently insufficient to determine the role of this variant in disease. Therefore, it has been classified as a Variant of Uncertain Significance.

NM_003060.4(SLC22A5):c.929C>T (p.Ser310Phe)

Gene: SLC22A5 (solute carrier family 22 member 5; plus strand). Cytogenetic location: 5q31.1.
Variant type: single nucleotide variant.
Coding change: c.929C>T on transcript NM_003060.4 (MANE Select); coding-DNA position 929, C replaced by T.
Protein change: p.Ser310Phe; replaces serine 310 with phenylalanine.
Molecular consequence: missense variant.
Genome position (GRCh38, 1-based): chr5:132,387,129, C>T. VCF-style: chr5-132387129-C-T. GRCh37 (hg19) VCF-style: chr5-131722821-C-T.
Other names: c.1001C>T, p.Ser334Phe (NM_001308122.2); short protein forms S334F, S310F.
Identifiers: ClinVar variation 650546 (VCV000650546.1), dbSNP rs368926084, ClinGen allele CA127210512.